The following is an entry in ClinVar:

NM_024675.4(PALB2):c.25_27dup (p.Leu9dup)

Gene: PALB2 (partner and localizer of BRCA2; minus strand). Cytogenetic location: 16p12.2.
Variant type: Duplication.
Coding change: c.25_27dup on transcript NM_024675.4 (MANE Select); coding-DNA positions 25 to 27, 3 bases duplicated (CTC; older notation c.25_27dupCTC).
Protein change: p.Leu9dup; duplicates leucine 9.
Molecular consequence: inframe insertion.
Genome position (GRCh38, 1-based): chr16:23,641,131-23,641,133, GAG duplicated on the plus strand (CTC on the coding strand, the reverse complement: PALB2 is on the minus strand); duplicating any 3 consecutive bases within chr16:23,641,131-23,641,134 gives the same sequence; the c. name uses the placement nearest the transcript's 3' end. VCF-style (leftmost placement, unchanged base first): chr16-23641130-T-TGAG. GRCh37 (hg19) VCF-style: chr16-23652451-T-TGAG.
Identifiers: ClinVar variation 1171317 (VCV001171317.2), dbSNP rs2142481231, ClinGen allele CA2499223446.
Genomic context (GRCh38, chr16:23,641,130, plus strand): 5'-GGTCAGAGTCCTGCGTCCGCCCTTCCCGCACCCCCGGCACCTTTTCCTTCTCCTCACAGC[T>TGAG]GAGGGGCTTCCCGGGAGGCTCGTCCATCGGGCAGGCGACAGAACGAAAAGAGCAGCCGTC-3'

ClinVar aggregate classification (germline): Uncertain significance (1 of 4 stars; one submission).

Conditions:
Hereditary cancer-predisposing syndrome. Also called: Tumor predisposition; Hereditary neoplastic syndrome; Hereditary Cancer Syndrome; Neoplastic Syndromes, Hereditary. Identifiers: Orphanet 140162, MedGen C0027672, MeSH D009386, MONDO:0015356.

Submission:

Color Diagnostics, LLC DBA Color Health
Classification: Uncertain significance for Hereditary cancer-predisposing syndrome. Last evaluated: 2021-02-12. Review status: criteria provided, single submitter. Criteria: ACMG Guidelines, 2015. Collection method: clinical testing. Allele origin: germline.
Comment: This variant causes an in-frame duplication of one amino acid in exon 1 of the PALB2 protein. To our knowledge, functional studies have not been reported for this variant. This variant has not been reported in individuals affected with hereditary cancer in the literature. This variant has not been identified in the general population by the Genome Aggregation Database (gnomAD). The available evidence is insufficient to determine the role of this variant in disease conclusively. Therefore, this variant is classified as a Variant of Uncertain Significance.